The following is an entry in ClinVar:

NM_182914.3(SYNE2):c.19147G>A (p.Glu6383Lys)

Gene: SYNE2 (spectrin repeat containing nuclear envelope protein 2; plus strand). Cytogenetic location: 14q23.2.
Variant type: single nucleotide variant.
Coding change: c.19147G>A on transcript NM_182914.3 (MANE Select); coding-DNA position 19147, G replaced by A.
Protein change: p.Glu6383Lys; replaces glutamic acid 6383 with lysine.
Molecular consequence: missense variant.
Genome position (GRCh38, 1-based): chr14:64,214,284, G>A. VCF-style: chr14-64214284-G-A. GRCh37 (hg19) VCF-style: chr14-64681002-G-A.
Other names: c.19147G>A, p.Glu6383Lys (NM_015180.6); c.49G>A, p.Glu17Lys (NM_182913.4); short protein forms E17K, E6383K.
Identifiers: ClinVar variation 4811680 (VCV004811680.1).

ClinVar aggregate classification (germline): Uncertain significance (1 of 4 stars; one submission).

Conditions:
Emery-Dreifuss muscular dystrophy 5, autosomal dominant (EDMD5). Also called: EMERY-DREIFUSS MUSCULAR DYSTROPHY 5. Identifiers: Orphanet 261, MedGen C2751805, MONDO:0013072, OMIM 612999.

gnomAD v4.1: 1 of 1,614,162 alleles (0.000062%); highest among the groups gnomAD compares: Non-Finnish European, 0.000085%; no homozygotes.

Submission:

Labcorp Genetics (formerly Invitae), Labcorp
Classification: Uncertain significance for Emery-Dreifuss muscular dystrophy 5, autosomal dominant. Last evaluated: 2025-05-13. Review status: criteria provided, single submitter. Criteria: Invitae Variant Classification Sherloc (09022015). Collection method: clinical testing. Allele origin: germline.
Comment: This sequence change replaces glutamic acid, which is acidic and polar, with lysine, which is basic and polar, at codon 6383 of the SYNE2 protein (p.Glu6383Lys). This variant is not present in population databases (gnomAD no frequency). This variant has not been reported in the literature in individuals affected with SYNE2-related conditions. An algorithm developed to predict the effect of missense changes on protein structure and function (PolyPhen-2) suggests that this variant is likely to be disruptive. In summary, the available evidence is currently insufficient to determine the role of this variant in disease. Therefore, it has been classified as a Variant of Uncertain Significance.